The following is an entry in ClinVar:

ClinVar aggregate classification (germline): Uncertain significance (1 of 4 stars; one submission).

Submission:

GeneDx
Classification: Uncertain significance. Last evaluated: 2023-05-15. Review status: criteria provided, single submitter. Criteria: GeneDx Variant Classification Process June 2021. Collection method: clinical testing. Allele origin: germline. Affected: yes.
Comment: Not observed at significant frequency in large population cohorts (gnomAD); In silico analysis supports that this missense variant has a deleterious effect on protein structure/function; Has not been previously published as pathogenic or benign to our knowledge

NM_005121.3(MED13):c.3860C>G (p.Pro1287Arg)

Gene: MED13 (mediator complex subunit 13; minus strand). Cytogenetic location: 17q23.2.
Variant type: single nucleotide variant.
Coding change: c.3860C>G on transcript NM_005121.3 (MANE Select); coding-DNA position 3860, C replaced by G.
Protein change: p.Pro1287Arg; replaces proline 1287 with arginine.
Molecular consequence: missense variant.
Genome position (GRCh38, 1-based): chr17:61,972,834, G>C on the plus strand (C>G on the coding strand, the complement: MED13 is on the minus strand). VCF-style: chr17-61972834-G-C. GRCh37 (hg19) VCF-style: chr17-60050195-G-C.
Other names: short protein forms P1287R.
Identifiers: ClinVar variation 2663095 (VCV002663095.1), dbSNP rs2509259107, ClinGen allele CA400500473.